The following is an entry in ClinVar:

ClinVar aggregate classification (germline): Uncertain significance (1 of 4 stars; one submission).

Conditions:
Baller-Gerold syndrome (BGS). Also called: CRANIOSYNOSTOSIS WITH RADIAL DEFECTS. Identifiers: Orphanet 1225, MedGen C0265308, MONDO:0009039, OMIM 218600.

Allele frequency attached by ClinVar (database versions not stated): gnomAD 0.00001; TOPMed 0.00001.
gnomAD v4.1: 1 of 1,555,030 alleles (0.000064%); highest among the groups gnomAD compares: Non-Finnish European, 0.000087%; no homozygotes.

Submission:

Labcorp Genetics (formerly Invitae), Labcorp
Classification: Uncertain significance for Baller-Gerold syndrome. Last evaluated: 2022-04-28. Review status: criteria provided, single submitter. Criteria: Invitae Variant Classification Sherloc (09022015). Collection method: clinical testing. Allele origin: germline.
Comment: In summary, the available evidence is currently insufficient to determine the role of this variant in disease. Therefore, it has been classified as a Variant of Uncertain Significance. ClinVar contains an entry for this variant (Variation ID: 861944). This variant has not been reported in the literature in individuals affected with RECQL4-related conditions. This variant is not present in population databases (gnomAD no frequency). This sequence change replaces threonine, which is neutral and polar, with isoleucine, which is neutral and non-polar, at codon 684 of the RECQL4 protein (p.Thr684Ile).

NM_004260.4(RECQL4):c.2051C>T (p.Thr684Ile)

Gene: RECQL4 (RecQ like helicase 4; minus strand). Cytogenetic location: 8q24.3.
Variant type: single nucleotide variant.
Coding change: c.2051C>T on transcript NM_004260.4 (MANE Select); coding-DNA position 2051, C replaced by T.
Protein change: p.Thr684Ile; replaces threonine 684 with isoleucine.
Molecular consequence: missense variant.
Genome position (GRCh38, 1-based): chr8:144,513,935, G>A on the plus strand (C>T on the coding strand, the complement: RECQL4 is on the minus strand). VCF-style: chr8-144513935-G-A. GRCh37 (hg19) VCF-style: chr8-145739319-G-A.
Other names: short protein forms T684I.
Identifiers: ClinVar variation 861944 (VCV000861944.6), dbSNP rs911017899, ClinGen allele CA187684318.
Genomic context (GRCh38, chr8:144,513,935, plus strand): 5'-GTGGGCAGTCAGCAGCCAGGGCCCTGCAGGGTCCCCAGAGCACACACACCCACCTGGTCT[G>A]TGTCCCTGTCCATGGACACGGAAAGGTGCAGGTTGGTGGGAACTGGGGCTGGCCCGTGGA-3'
Protein context (NP_004251.4, residues 674-694): LHLSVSMDRD[Thr684Ile]DQALLTLLQG